The following is an entry in ClinVar:

NM_030928.4(CDT1):c.758G>A (p.Arg253His)

Gene: CDT1 (chromatin licensing and DNA replication factor 1; plus strand). Cytogenetic location: 16q24.3.
Variant type: single nucleotide variant.
Coding change: c.758G>A on transcript NM_030928.4 (MANE Select); coding-DNA position 758, G replaced by A.
Protein change: p.Arg253His; replaces arginine 253 with histidine.
Molecular consequence: missense variant.
Genome position (GRCh38, 1-based): chr16:88,805,795, G>A. VCF-style: chr16-88805795-G-A. GRCh37 (hg19) VCF-style: chr16-88872203-G-A.
Other names: short protein forms R253H.
Identifiers: ClinVar variation 434675 (VCV000434675.17), dbSNP rs148337159, ClinGen allele CA8233809.

ClinVar aggregate classification (germline): Conflicting classifications of pathogenicity. Review status: criteria provided, conflicting classifications (1 of 4 stars). 3 submissions from 3 submitters: Uncertain significance (1); Likely benign (1). 1 of the submissions does not count toward it. Last evaluated 2026-01-06.

Conditions:
CDT1-related disorder. Also called: CDT1-related condition.

Allele frequency attached by ClinVar (database versions not stated): 1000 Genomes Project 0.00080; TOPMed 0.00084; gnomAD 0.00086 and 0.00078; ESP Exome Variant Server 0.00092; 1000 Genomes Project 30x 0.00094.
gnomAD v4.1: 316 of 1,613,146 alleles (0.02%); highest among the groups gnomAD compares: African/African-American, 0.24%; no homozygotes.

Submissions (3):

Labcorp Genetics (formerly Invitae), Labcorp
Classification: Likely benign. Last evaluated: 2026-01-06. Review status: criteria provided, single submitter. Criteria: Invitae Variant Classification Sherloc (09022015). Collection method: clinical testing. Allele origin: germline.

Genetic Services Laboratory, University of Chicago
Classification: Uncertain significance. Last evaluated: 2017-05-24. Review status: criteria provided, single submitter. Criteria: ACMG Guidelines, 2015. Collection method: clinical testing. Allele origin: germline. Affected: no.

PreventionGenetics, part of Exact Sciences
Classification: Likely benign for CDT1-related condition. Last evaluated: 2022-05-09. Review status: no assertion criteria provided. Collection method: clinical testing. Allele origin: germline. Not counted in ClinVar's aggregate classification.
Comment: This variant is classified as likely benign based on ACMG/AMP sequence variant interpretation guidelines (Richards et al. 2015 PMID: 25741868, with internal and published modifications).